The following is an entry in ClinVar:

NM_003839.4(TNFRSF11A):c.1145A>G (p.Glu382Gly)

Gene: TNFRSF11A (TNF receptor superfamily member 11a; plus strand). Cytogenetic location: 18q21.33.
Variant type: single nucleotide variant.
Coding change: c.1145A>G on transcript NM_003839.4 (MANE Select); coding-DNA position 1145, A replaced by G.
Protein change: p.Glu382Gly; replaces glutamic acid 382 with glycine.
Molecular consequence: missense variant. On other transcripts: intron variant (3).
Genome position (GRCh38, 1-based): chr18:62,369,062, A>G. VCF-style: chr18-62369062-A-G. GRCh37 (hg19) VCF-style: chr18-60036295-A-G.
Other names: c.1103A>G, p.Glu368Gly (NM_001278268.2); c.783+2302A>G (NM_001270949.2); c.730+7269A>G (NM_001270950.2); c.616+9013A>G (NM_001270951.2); short protein forms E382G, E368G.
Identifiers: ClinVar variation 2192250 (VCV002192250.4), dbSNP rs200791079, ClinGen allele CA8983924.

ClinVar aggregate classification (germline): Uncertain significance (1 of 4 stars; one submission).

Allele frequency attached by ClinVar (database versions not stated): ExAC 0.00001; TOPMed 0.00001; gnomAD 0.00002; gnomAD exomes 0.00004; 1000 Genomes Project 30x 0.00016; 1000 Genomes Project 0.00020.
gnomAD v4.1: 55 of 1,614,070 alleles (0.0034%); highest among the groups gnomAD compares: Non-Finnish European, 0.0044%; no homozygotes.

Submission:

Labcorp Genetics (formerly Invitae), Labcorp
Classification: Uncertain significance. Last evaluated: 2025-11-15. Review status: criteria provided, single submitter. Criteria: Invitae Variant Classification Sherloc (09022015). Collection method: clinical testing. Allele origin: germline.
Comment: This sequence change replaces glutamic acid, which is acidic and polar, with glycine, which is neutral and non-polar, at codon 382 of the TNFRSF11A protein (p.Glu382Gly). This variant is present in population databases (rs200791079, gnomAD 0.003%). This variant has not been reported in the literature in individuals affected with TNFRSF11A-related conditions. ClinVar contains an entry for this variant (Variation ID: 2192250). An algorithm developed to predict the effect of missense changes on protein structure and function (PolyPhen-2) suggests that this variant is likely to be disruptive. In summary, the available evidence is currently insufficient to determine the role of this variant in disease. Therefore, it has been classified as a Variant of Uncertain Significance.